The following is an entry in ClinVar:

ClinVar aggregate classification (germline): Uncertain significance. Review status: criteria provided, multiple submitters, no conflicts (2 of 4 stars). 2 submissions from 2 submitters: Uncertain significance (2). Last evaluated 2021-03-30.

Conditions:
Susceptibility to HIV infection. Also called: HUMAN IMMUNODEFICIENCY VIRUS TYPE 1, RESISTANCE TO; Human immunodeficiency virus type 1, susceptibility to; HIV-1, SUSCEPTIBILITY TO. Identifiers: MedGen C1836230, MONDO:0004951, OMIM 609423.

Allele frequency attached by ClinVar (database versions not stated): 1000 Genomes Project 0.00120; 1000 Genomes Project 30x 0.00156; gnomAD exomes 0.00455 and 0.00782; ExAC 0.00461; TOPMed 0.00470; gnomAD 0.00516 and 0.00533; ESP Exome Variant Server 0.00600.

Submissions (2):

Center for Genomics, Ann and Robert H. Lurie Children's Hospital of Chicago
Classification: Uncertain significance for Susceptibility to HIV infection. Last evaluated: 2021-03-30. Review status: criteria provided, single submitter. Criteria: ACMG Guidelines, 2015. Collection method: clinical testing. Allele origin: germline.
Comment: CXCR1 NM_000634.2 exon2 p.Met1Ile (c.3G>A): This variant has not been reported in the literature but is present in 0.8% (1041/127022) of European alleles, including 7 homozygotes, in the Genome Aggregation Database. This variant amino acid Isoleucine (Ile) is present in several species and is not well conserved among evolutionarily distant species; this suggests that this variant may not impact the protein. Additional computational prediction tools for this variant are limited or unavailable. Of note, this variant replaces an initiation codon which is typically predicted to produce a non-functional protein, however, the data on this variant (high minor allele frequency, presence of variant in other species) conflict with the expected impact of this variant. Therefore, the clinical significance of this variant is uncertain.

Breakthrough Genomics
Classification: Uncertain significance. Review status: criteria provided, single submitter. Criteria: ACMG Guidelines, 2015. Collection method: not provided. Allele origin: germline. Inheritance: Unknown mechanism. Affected: yes.

NM_000634.3(CXCR1):c.3G>A (p.Met1Ile)

Gene: CXCR1 (C-X-C motif chemokine receptor 1; minus strand). Cytogenetic location: 2q35.
Variant type: single nucleotide variant.
Coding change: c.3G>A on transcript NM_000634.3 (MANE Select); coding-DNA position 3, G replaced by A.
Protein change: p.Met1Ile; changes the start codon (methionine 1).
Molecular consequence: missense variant, initiator codon variant.
Genome position (GRCh38, 1-based): chr2:218,165,209, C>T on the plus strand (G>A on the coding strand, the complement: CXCR1 is on the minus strand). VCF-style: chr2-218165209-C-T. GRCh37 (hg19) VCF-style: chr2-219029932-C-T.
Other names: short protein forms M1I.
Identifiers: ClinVar variation 992524 (VCV000992524.4), dbSNP rs55808468, ClinGen allele CA2102118.